The following is an entry in ClinVar:

ClinVar aggregate classification (germline): Uncertain significance (1 of 4 stars; one submission).

Conditions:
Inflammatory bowel disease 28. Also called: Inflammatory bowel disease 28, early onset, autosomal recessive. Identifiers: Orphanet 238569, MedGen C2751053, MONDO:0013153, OMIM 613148.

Allele frequency attached by ClinVar (database versions not stated): gnomAD exomes below 0.00001.
gnomAD v4.1: 1 of 1,613,872 alleles (0.000062%); highest among the groups gnomAD compares: Non-Finnish European, 0.000085%; no homozygotes.

Submission:

Labcorp Genetics (formerly Invitae), Labcorp
Classification: Uncertain significance for Inflammatory bowel disease 28. Last evaluated: 2022-03-19. Review status: criteria provided, single submitter. Criteria: Invitae Variant Classification Sherloc (09022015). Collection method: clinical testing. Allele origin: germline.
Comment: In summary, the available evidence is currently insufficient to determine the role of this variant in disease. Therefore, it has been classified as a Variant of Uncertain Significance. Algorithms developed to predict the effect of missense changes on protein structure and function output the following: SIFT: "Tolerated"; PolyPhen-2: "Benign"; Align-GVGD: "Class C0". The histidine amino acid residue is found in multiple mammalian species, which suggests that this missense change does not adversely affect protein function. This sequence change replaces glutamine, which is neutral and polar, with histidine, which is basic and polar, at codon 229 of the IL10RA protein (p.Gln229His). This variant has not been reported in the literature in individuals affected with IL10RA-related conditions. This variant is not present in population databases (gnomAD no frequency).

NM_001558.4(IL10RA):c.687G>C (p.Gln229His)

Gene: IL10RA (interleukin 10 receptor subunit alpha; plus strand). Cytogenetic location: 11q23.3.
Variant type: single nucleotide variant.
Coding change: c.687G>C on transcript NM_001558.4 (MANE Select); coding-DNA position 687, G replaced by C.
Protein change: p.Gln229His; replaces glutamine 229 with histidine.
Molecular consequence: missense variant. On other transcripts: non-coding transcript variant (1).
Genome position (GRCh38, 1-based): chr11:117,994,148, G>C. VCF-style: chr11-117994148-G-C. GRCh37 (hg19) VCF-style: chr11-117864863-G-C.
Other names: short protein forms Q229H.
Identifiers: ClinVar variation 2114176 (VCV002114176.4), dbSNP rs2058041700, ClinGen allele CA382776092.
Genomic context (GRCh38, chr11:117,994,148, plus strand): 5'-CGCTTCCCGAAGTAACAAGGGGATGTGGTCTAAAGAGGAGTGCATCTCCCTCACCAGGCA[G>C]TGTGAGTCAGCTGGGCTGCTCTCAGCATGGGGAGGGAGACTGGGAGGGCCTGGTGCAATC-3'
Protein context (NP_001549.2, residues 219-239): SKEECISLTR[Gln229His]YFTVTNVIIF